The following is an entry in ClinVar:

NM_022340.4(RBSN):c.1482C>T (p.Asp494=)

Gene: RBSN (rabenosyn, RAB effector; minus strand). Cytogenetic location: 3p25.1.
Variant type: single nucleotide variant.
Coding change: c.1482C>T on transcript NM_022340.4 (MANE Select); coding-DNA position 1482, C replaced by T.
Protein change: p.Asp494=; no amino-acid change (aspartic acid 494 retained).
Molecular consequence: synonymous variant.
Genome position (GRCh38, 1-based): chr3:15,074,655, G>A on the plus strand (C>T on the coding strand, the complement: RBSN is on the minus strand). VCF-style: chr3-15074655-G-A. GRCh37 (hg19) VCF-style: chr3-15116162-G-A.
Other names: c.1482C>T, p.Asp494= (NM_001302378.2).
Identifiers: ClinVar variation 764589 (VCV000764589.5), dbSNP rs200359464, ClinGen allele CA2273393.

ClinVar aggregate classification (germline): Likely benign. Review status: criteria provided, multiple submitters, no conflicts (2 of 4 stars). 2 submissions from 2 submitters: Likely benign (2). Last evaluated 2026-06-01.

Allele frequency attached by ClinVar (database versions not stated): gnomAD exomes 0.00017 and 0.00012; TOPMed 0.00018; ESP Exome Variant Server 0.00031; ExAC 0.00011; gnomAD 0.00016 and 0.00017.
gnomAD v4.1: 279 of 1,614,126 alleles (0.017%); highest among the groups gnomAD compares: Non-Finnish European, 0.021%; no homozygotes.

Submissions (2):

CeGaT Center for Human Genetics Tuebingen
Classification: Likely benign. Last evaluated: 2026-06-01. Review status: criteria provided, single submitter. Criteria: CeGaT Center For Human Genetics Tuebingen Variant Classification Criteria Version 2. Collection method: clinical testing. Allele origin: germline. Affected: yes. Observed: 1 variant allele.
Comment: RBSN: BP4, BP7

Labcorp Genetics (formerly Invitae), Labcorp
Classification: Likely benign. Last evaluated: 2018-11-14. Review status: criteria provided, single submitter. Criteria: Invitae Variant Classification Sherloc (09022015). Collection method: clinical testing. Allele origin: germline.